The following is an entry in ClinVar:

ClinVar aggregate classification (germline): Pathogenic (1 of 4 stars; one submission).

Submission:

GeneDx
Classification: Pathogenic. Last evaluated: 2024-05-14. Review status: criteria provided, single submitter. Criteria: GeneDx Variant Classification Process June 2021. Collection method: clinical testing. Allele origin: germline. Affected: yes.
Comment: Frameshift variant predicted to result in protein truncation or nonsense mediated decay in a gene for which loss of function is a known mechanism of disease; Not observed at significant frequency in large population cohorts (gnomAD); Has not been previously published as pathogenic or benign to our knowledge

NM_001393769.1(MED12L):c.2895_2896del (p.Tyr966fs)

Genes: MED12L (mediator complex subunit 12L; plus strand), P2RY12 (purinergic receptor P2Y12; minus strand). Cytogenetic location: 3q25.1.
Variant type: Deletion.
Coding change: c.2895_2896del on transcript NM_001393769.1 (MANE Select); coding-DNA positions 2895 to 2896, 2 bases deleted (CT; older notation c.2895_2896delCT).
Protein change: p.Tyr966fs; shifts the reading frame from tyrosine 966.
Molecular consequence: frameshift variant. On other transcripts: intron variant (1).
Genome position (GRCh38, 1-based): chr3:151,360,543-151,360,544, CT deleted. VCF-style (leftmost placement, unchanged base first): chr3-151360542-CCT-C. GRCh37 (hg19) VCF-style: chr3-151078330-CCT-C.
Other names: c.2790_2791del, p.Tyr931fs (NM_053002.6); c.-179-19784_-179-19783del (NM_022788.5); short protein forms Y931fs, Y966fs.
Identifiers: ClinVar variation 3378093 (VCV003378093.1).